The following is an entry in ClinVar:

NM_014727.3(KMT2B):c.2365GAG[1] (p.Glu790del)

Gene: KMT2B (lysine methyltransferase 2B; plus strand). Cytogenetic location: 19q13.12.
Variant type: Microsatellite.
Coding change: c.2365GAG[1] on transcript NM_014727.3 (MANE Select); one copy of the 3-base unit GAG starting at c.2365; the reference has two copies in a row; one copy, 3 bases deleted.
Protein change: p.Glu790del; deletes glutamic acid 790.
Molecular consequence: inframe deletion.
Genome position (GRCh38, 1-based): chr19:35,721,715-35,721,717, GAG deleted; deleting any 3 consecutive bases within chr19:35,721,712-35,721,717 gives the same sequence; the position shown is the placement nearest the transcript's 3' end. VCF-style (leftmost placement, unchanged base first): chr19-35721711-AGAG-A. GRCh37 (hg19) VCF-style: chr19-36212613-AGAG-A.
Other names: short protein forms E790del.
Identifiers: ClinVar variation 2872544 (VCV002872544.3), dbSNP rs1264679964, ClinGen allele CA633059309.

ClinVar aggregate classification (germline): Uncertain significance (1 of 4 stars; one submission).

Submission:

Labcorp Genetics (formerly Invitae), Labcorp
Classification: Uncertain significance. Last evaluated: 2023-05-01. Review status: criteria provided, single submitter. Criteria: Invitae Variant Classification Sherloc (09022015). Collection method: clinical testing. Allele origin: germline.
Comment: In summary, the available evidence is currently insufficient to determine the role of this variant in disease. Therefore, it has been classified as a Variant of Uncertain Significance. Experimental studies and prediction algorithms are not available or were not evaluated, and the functional significance of this variant is currently unknown. This variant has not been reported in the literature in individuals affected with KMT2B-related conditions. This variant is present in population databases (no rsID available, gnomAD 0.003%). This variant, c.2368_2370del, results in the deletion of 1 amino acid(s) of the KMT2B protein (p.Glu790del), but otherwise preserves the integrity of the reading frame.